The following is an entry in ClinVar:

ClinVar aggregate classification (germline): Uncertain significance (1 of 4 stars; one submission).

Conditions:
Primary ciliary dyskinesia. Also called: Ciliary dyskinesia. Identifiers: Orphanet 244, MedGen C0008780, MONDO:0016575, HP:0012265.

Allele frequency attached by ClinVar (database versions not stated): gnomAD exomes below 0.00001.

Submission:

Labcorp Genetics (formerly Invitae), Labcorp
Classification: Uncertain significance for Primary ciliary dyskinesia. Last evaluated: 2021-08-31. Review status: criteria provided, single submitter. Criteria: Invitae Variant Classification Sherloc (09022015). Collection method: clinical testing. Allele origin: germline.
Comment: This sequence change falls in intron 61 of the DNAH5 gene. It does not directly change the encoded amino acid sequence of the DNAH5 protein. It affects a nucleotide within the consensus splice site of the intron. This variant is not present in population databases (ExAC no frequency). This variant has not been reported in the literature in individuals affected with DNAH5-related conditions. Variants that disrupt the consensus splice site are a relatively common cause of aberrant splicing (PMID: 17576681, 9536098). Algorithms developed to predict the effect of sequence changes on RNA splicing suggest that this variant may create or strengthen a splice site. In summary, the available evidence is currently insufficient to determine the role of this variant in disease. Therefore, it has been classified as a Variant of Uncertain Significance.

Literature cited by the submitters: PubMed 17576681; PubMed 9536098.

NM_001369.3(DNAH5):c.10420-3T>C

Gene: DNAH5 (dynein axonemal heavy chain 5; minus strand). Cytogenetic location: 5p15.2.
Variant type: single nucleotide variant.
Coding change: c.10420-3T>C on transcript NM_001369.3 (MANE Select); 3 bases into the intron before coding-DNA position 10420, T replaced by C.
Molecular consequence: intron variant.
Genome position (GRCh38, 1-based): chr5:13,754,341, A>G on the plus strand (T>C on the coding strand, the complement: DNAH5 is on the minus strand). VCF-style: chr5-13754341-A-G. GRCh37 (hg19) VCF-style: chr5-13754450-A-G.
Identifiers: ClinVar variation 852097 (VCV000852097.7), dbSNP rs1172050367, ClinGen allele CA557867564.